The following is an entry in ClinVar:

ClinVar aggregate classification (germline): Uncertain significance. Review status: criteria provided, multiple submitters, no conflicts (2 of 4 stars). 3 submissions from 3 submitters: Uncertain significance (3). Last evaluated 2026-09-12.

Conditions:
Inborn genetic diseases. Identifiers: MedGen C0950123, MeSH D030342.
Myopathy, proximal, and ophthalmoplegia (CMYO6). Also called: CONGENITAL MYOPATHY 6 WITH OPHTHALMOPLEGIA; MYOPATHY WITH CONGENITAL JOINT CONTRACTURES, OPHTHALMOPLEGIA, AND RIMMED VACUOLES; INCLUSION BODY MYOPATHY 3, AUTOSOMAL DOMINANT. Identifiers: Orphanet 363677, Orphanet 79091, MedGen C1854106, MONDO:0011577, OMIM 605637.

gnomAD v4.1: 8 of 1,614,186 alleles (0.0005%); highest among the groups gnomAD compares: Non-Finnish European, 0.00059%; no homozygotes.

Submissions (3):

GeneDx
Classification: Uncertain significance. Last evaluated: 2026-09-12. Review status: criteria provided, single submitter. Criteria: GeneDx Variant Classification Process June 2021. Collection method: clinical testing. Allele origin: germline.
Comment: Not observed at significant frequency in large population cohorts (gnomAD); In silico analysis supports that this missense variant has a deleterious effect on protein structure/function; Has not been previously published as pathogenic or benign to our knowledge

Ambry Genetics
Classification: Uncertain significance for Inborn genetic diseases. Last evaluated: 2024-08-14. Review status: criteria provided, single submitter. Criteria: Ambry Variant Classification Scheme 2023. Collection method: clinical testing. Allele origin: germline.

Labcorp Genetics (formerly Invitae), Labcorp
Classification: Uncertain significance for Myopathy, proximal, and ophthalmoplegia. Last evaluated: 2024-04-10. Review status: criteria provided, single submitter. Criteria: Invitae Variant Classification Sherloc (09022015). Collection method: clinical testing. Allele origin: germline.
Comment: This sequence change replaces alanine, which is neutral and non-polar, with valine, which is neutral and non-polar, at codon 1810 of the MYH2 protein (p.Ala1810Val). This variant is not present in population databases (gnomAD no frequency). This variant has not been reported in the literature in individuals affected with MYH2-related conditions. ClinVar contains an entry for this variant (Variation ID: 2662797). Advanced modeling of protein sequence and biophysical properties (such as structural, functional, and spatial information, amino acid conservation, physicochemical variation, residue mobility, and thermodynamic stability) performed at Invitae indicates that this missense variant is not expected to disrupt MYH2 protein function with a negative predictive value of 80%. In summary, the available evidence is currently insufficient to determine the role of this variant in disease. Therefore, it has been classified as a Variant of Uncertain Significance.

NM_017534.6(MYH2):c.5429C>T (p.Ala1810Val)

Genes: MYH2 (myosin heavy chain 2; minus strand), MYHAS (myosin heavy chain gene cluster antisense RNA; plus strand). Cytogenetic location: 17p13.1.
Variant type: single nucleotide variant.
Coding change: c.5429C>T on transcript NM_017534.6 (MANE Select); coding-DNA position 5429, C replaced by T.
Protein change: p.Ala1810Val; replaces alanine 1810 with valine.
Molecular consequence: missense variant.
Genome position (GRCh38, 1-based): chr17:10,523,539, G>A on the plus strand (C>T on the coding strand, the complement: MYH2 is on the minus strand). VCF-style: chr17-10523539-G-A. GRCh37 (hg19) VCF-style: chr17-10426856-G-A.
Other names: c.5429C>T, p.Ala1810Val (NM_001100112.2); short protein forms A1810V.
Identifiers: ClinVar variation 2662797 (VCV002662797.5), dbSNP rs1567726766, ClinGen allele CA398115885.